The following is an entry in ClinVar:

ClinVar aggregate classification (germline): Uncertain significance (1 of 4 stars; one submission).

Allele frequency attached by ClinVar (database versions not stated): gnomAD exomes 0.00001; TOPMed 0.00001.
gnomAD v4.1: 3 of 1,613,956 alleles (0.00019%); highest among the groups gnomAD compares: Admixed American, 0.005%; no homozygotes.

Submission:

Labcorp Genetics (formerly Invitae), Labcorp
Classification: Uncertain significance. Last evaluated: 2024-10-15. Review status: criteria provided, single submitter. Criteria: Invitae Variant Classification Sherloc (09022015). Collection method: clinical testing. Allele origin: germline.
Comment: This sequence change replaces isoleucine, which is neutral and non-polar, with threonine, which is neutral and polar, at codon 473 of the QRSL1 protein (p.Ile473Thr). This variant is present in population databases (no rsID available, gnomAD 0.01%). This variant has not been reported in the literature in individuals affected with QRSL1-related conditions. ClinVar contains an entry for this variant (Variation ID: 1969268). Invitae Evidence Modeling of protein sequence and biophysical properties (such as structural, functional, and spatial information, amino acid conservation, physicochemical variation, residue mobility, and thermodynamic stability) indicates that this missense variant is not expected to disrupt QRSL1 protein function with a negative predictive value of 80%. In summary, the available evidence is currently insufficient to determine the role of this variant in disease. Therefore, it has been classified as a Variant of Uncertain Significance.

NM_018292.5(QRSL1):c.1418T>C (p.Ile473Thr)

Gene: QRSL1 (glutaminyl-tRNA amidotransferase subunit QRSL1; plus strand). Cytogenetic location: 6q21.
Variant type: single nucleotide variant.
Coding change: c.1418T>C on transcript NM_018292.5 (MANE Select); coding-DNA position 1418, T replaced by C.
Protein change: p.Ile473Thr; replaces isoleucine 473 with threonine.
Molecular consequence: missense variant.
Genome position (GRCh38, 1-based): chr6:106,665,833, T>C. VCF-style: chr6-106665833-T-C. GRCh37 (hg19) VCF-style: chr6-107113708-T-C.
Other names: short protein forms I473T.
Identifiers: ClinVar variation 1969268 (VCV001969268.5), dbSNP rs1235682851, ClinGen allele CA365159138.
Genomic context (GRCh38, chr6:106,665,833, plus strand): 5'-TTTTCCCAGGATTGCCAGCAGTGAGTATCCCTGTTGCACTCTCAAACCAAGGGTTGCCAA[T>C]AGGACTGCAGTTTATTGGACGTGCGTTTTGTGACCAGCAGCTTCTTACAGTAGCCAAATG-3'
Protein context (NP_060762.3, residues 463-483): PVALSNQGLP[Ile473Thr]GLQFIGRAFC